The following is an entry in ClinVar:

NM_020297.4(ABCC9):c.55G>A (p.Val19Ile)

Gene: ABCC9 (ATP binding cassette subfamily C member 9; minus strand). Cytogenetic location: 12p12.1.
Variant type: single nucleotide variant.
Coding change: c.55G>A on transcript NM_020297.4 (MANE Select); coding-DNA position 55, G replaced by A.
Protein change: p.Val19Ile; replaces valine 19 with isoleucine.
Molecular consequence: missense variant. On other transcripts: 5 prime UTR variant (1).
Genome position (GRCh38, 1-based): chr12:21,936,620, C>T on the plus strand (G>A on the coding strand, the complement: ABCC9 is on the minus strand). VCF-style: chr12-21936620-C-T. GRCh37 (hg19) VCF-style: chr12-22089554-C-T.
Other names: c.55G>A, p.Val19Ile (NM_001377273.1, NM_005691.4); c.-400G>A (NM_001377274.1); short protein forms V19I.
Identifiers: ClinVar variation 1442367 (VCV001442367.8), dbSNP rs2138078291, ClinGen allele CA384133850.

ClinVar aggregate classification (germline): Uncertain significance (1 of 4 stars; one submission).

Conditions:
Dilated cardiomyopathy 1O (CMD1O). Also called: CARDIOMYOPATHY, DILATED, WITH VENTRICULAR TACHYCARDIA. Identifiers: Orphanet 154, MedGen C1837839, MONDO:0012062, OMIM 608569.

Allele frequency attached by ClinVar (database versions not stated): gnomAD exomes below 0.00001.
gnomAD v4.1: 4 of 1,611,052 alleles (0.00025%); highest among the groups gnomAD compares: Non-Finnish European, 0.00034%; no homozygotes.

Submission:

Labcorp Genetics (formerly Invitae), Labcorp
Classification: Uncertain significance for Dilated cardiomyopathy 1O. Last evaluated: 2020-11-24. Review status: criteria provided, single submitter. Criteria: Invitae Variant Classification Sherloc (09022015). Collection method: clinical testing. Allele origin: germline.
Comment: In summary, the available evidence is currently insufficient to determine the role of this variant in disease. Therefore, it has been classified as a Variant of Uncertain Significance. Algorithms developed to predict the effect of missense changes on protein structure and function are either unavailable or do not agree on the potential impact of this missense change (SIFT: "Tolerated"; PolyPhen-2: "Possibly Damaging"; Align-GVGD: "Class C0"). This variant has not been reported in the literature in individuals with ABCC9-related conditions. This variant is not present in population databases (ExAC no frequency). This sequence change replaces valine with isoleucine at codon 19 of the ABCC9 protein (p.Val19Ile). The valine residue is moderately conserved and there is a small physicochemical difference between valine and isoleucine.